The following is an entry in ClinVar:

ClinVar aggregate classification (germline): Uncertain significance (1 of 4 stars; one submission).

Conditions:
Atrioventricular septal defect 5 (AVSD5). Identifiers: MedGen C3280939, MONDO:0013769, OMIM 614474.

gnomAD v4.1: 1 of 1,594,720 alleles (0.000063%); highest among the groups gnomAD compares: Non-Finnish European, 0.000085%; no homozygotes.

Submission:

Labcorp Genetics (formerly Invitae), Labcorp
Classification: Uncertain significance for Atrioventricular septal defect 5. Last evaluated: 2025-12-09. Review status: criteria provided, single submitter. Criteria: Invitae Variant Classification Sherloc (09022015). Collection method: clinical testing. Allele origin: germline.
Comment: This sequence change replaces cysteine, which is neutral and slightly polar, with phenylalanine, which is neutral and non-polar, at codon 46 of the GATA6 protein (p.Cys46Phe). The frequency data for this variant in the population databases is considered unreliable, as metrics indicate poor data quality at this position in the gnomAD database. This variant has not been reported in the literature in individuals affected with GATA6-related conditions. An algorithm developed to predict the effect of missense changes on protein structure and function (PolyPhen-2) suggests that this variant is likely to be disruptive. In summary, the available evidence is currently insufficient to determine the role of this variant in disease. Therefore, it has been classified as a Variant of Uncertain Significance.

NM_005257.6(GATA6):c.137G>T (p.Cys46Phe)

Gene: GATA6 (GATA binding protein 6; plus strand). Cytogenetic location: 18q11.2.
Variant type: single nucleotide variant.
Coding change: c.137G>T on transcript NM_005257.6 (MANE Select); coding-DNA position 137, G replaced by T.
Protein change: p.Cys46Phe; replaces cysteine 46 with phenylalanine.
Molecular consequence: missense variant.
Genome position (GRCh38, 1-based): chr18:22,171,281, G>T. VCF-style: chr18-22171281-G-T. GRCh37 (hg19) VCF-style: chr18-19751242-G-T.
Other names: short protein forms C46F.
Identifiers: ClinVar variation 4810511 (VCV004810511.1).
Genomic context (GRCh38, chr18:22,171,281, plus strand): 5'-CCTTTCCAGCGCGGGAGCCCTCCACGCCGCCTTCCCCCATCTCTTCCTCGTCCTCCTCCT[G>T]CTCCCGGGGCGGAGAGCGGGGCCCCGGCGGCGCCAGCAACTGCGGGACGCCTCAGCTCGA-3'
Protein context (NP_005248.2, residues 36-56): PSPISSSSSS[Cys46Phe]SRGGERGPGG